The following is an entry in ClinVar:

ClinVar aggregate classification (germline): Conflicting classifications of pathogenicity. Review status: criteria provided, conflicting classifications (1 of 4 stars). 6 submissions from 6 submitters: Uncertain significance (2); Likely benign (3). 1 of the submissions does not count toward it. Last evaluated 2026-04-01.

Conditions:
EP300-related disorder. Also called: EP300-related condition; EP300-related disorders.
Rubinstein-Taybi syndrome due to EP300 haploinsufficiency. Also called: RUBINSTEIN-TAYBI SYNDROME 2; EP300-Related Rubinstein-Taybi Syndrome. Identifiers: Orphanet 353284, Orphanet 783, MedGen C3150941, MONDO:0013364, OMIM 613684.

Allele frequency attached by ClinVar (database versions not stated): gnomAD 0.00006; TOPMed 0.00014; ESP Exome Variant Server 0.00015; 1000 Genomes Project 30x 0.00031; 1000 Genomes Project 0.00040.
gnomAD v4.1: 199 of 1,613,932 alleles (0.012%); highest among the groups gnomAD compares: East Asian, 0.19%; no homozygotes.

Submissions (6):

CeGaT Center for Human Genetics Tuebingen
Classification: Likely benign. Last evaluated: 2026-04-01. Review status: criteria provided, single submitter. Criteria: CeGaT Center For Human Genetics Tuebingen Variant Classification Criteria Version 2. Collection method: clinical testing. Allele origin: germline. Affected: yes. Observed: 1 variant allele.
Comment: EP300: BS1

Labcorp Genetics (formerly Invitae), Labcorp
Classification: Likely benign for Rubinstein-Taybi syndrome due to EP300 haploinsufficiency. Last evaluated: 2025-10-23. Review status: criteria provided, single submitter. Criteria: Invitae Variant Classification Sherloc (09022015). Collection method: clinical testing. Allele origin: germline.

Blueprint Genetics
Classification: Likely benign. Last evaluated: 2024-11-11. Review status: criteria provided, single submitter. Criteria: ACMG Guidelines, 2015. Collection method: clinical testing. Allele origin: germline.

Revvity Omics, Revvity
Classification: Uncertain significance. Last evaluated: 2022-01-04. Review status: criteria provided, single submitter. Criteria: ACMG Guidelines, 2015. Collection method: clinical testing. Allele origin: germline.

Eurofins Ntd Llc (ga)
Classification: Uncertain significance. Last evaluated: 2015-02-16. Review status: criteria provided, single submitter. Criteria: EGL Classification Definitions 2015. Collection method: clinical testing. Allele origin: germline. Observed: 1 variant allele, 1 heterozygote.

PreventionGenetics, part of Exact Sciences
Classification: Likely benign for EP300-related condition. Last evaluated: 2022-04-27. Review status: no assertion criteria provided. Collection method: clinical testing. Allele origin: germline. Not counted in ClinVar's aggregate classification.
Comment: This variant is classified as likely benign based on ACMG/AMP sequence variant interpretation guidelines (Richards et al. 2015 PMID: 25741868, with internal and published modifications).

NM_001429.4(EP300):c.5957C>T (p.Pro1986Leu)

Gene: EP300 (EP300 lysine acetyltransferase; plus strand). Cytogenetic location: 22q13.2.
Variant type: single nucleotide variant.
Coding change: c.5957C>T on transcript NM_001429.4 (MANE Select); coding-DNA position 5957, C replaced by T.
Protein change: p.Pro1986Leu; replaces proline 1986 with leucine.
Molecular consequence: missense variant.
Genome position (GRCh38, 1-based): chr22:41,177,668, C>T. VCF-style: chr22-41177668-C-T. GRCh37 (hg19) VCF-style: chr22-41573672-C-T.
Other names: c.5879C>T, p.Pro1960Leu (NM_001362843.2); short protein forms P1986L, P1960L.
Identifiers: ClinVar variation 196676 (VCV000196676.17), dbSNP rs144626200, ClinGen allele CA243739.